The following is an entry in ClinVar:

ClinVar aggregate classification (germline): Uncertain significance (1 of 4 stars; one submission).

Allele frequency attached by ClinVar (database versions not stated): TOPMed below 0.00001; ExAC 0.00001.
gnomAD v4.1: 5 of 1,605,252 alleles (0.00031%); highest among the groups gnomAD compares: Admixed American, 0.0033%; no homozygotes.

Submission:

Labcorp Genetics (formerly Invitae), Labcorp
Classification: Uncertain significance. Last evaluated: 2022-09-01. Review status: criteria provided, single submitter. Criteria: Invitae Variant Classification Sherloc (09022015). Collection method: clinical testing. Allele origin: germline.
Comment: In summary, the available evidence is currently insufficient to determine the role of this variant in disease. Therefore, it has been classified as a Variant of Uncertain Significance. Algorithms developed to predict the effect of missense changes on protein structure and function are either unavailable or do not agree on the potential impact of this missense change (SIFT: "Deleterious"; PolyPhen-2: "Benign"; Align-GVGD: "Class C0"). This variant has not been reported in the literature in individuals affected with SPEG-related conditions. This variant is present in population databases (rs762523816, gnomAD 0.006%). This sequence change replaces glutamic acid, which is acidic and polar, with lysine, which is basic and polar, at codon 3244 of the SPEG protein (p.Glu3244Lys).

NM_005876.5(SPEG):c.9730G>A (p.Glu3244Lys)

Genes: ASIC4-AS1 (ASIC4 antisense RNA 1; minus strand), SPEG (striated muscle enriched protein kinase; plus strand). Cytogenetic location: 2q35.
Variant type: single nucleotide variant.
Coding change: c.9730G>A on transcript NM_005876.5 (MANE Select); coding-DNA position 9730, G replaced by A.
Protein change: p.Glu3244Lys; replaces glutamic acid 3244 with lysine.
Molecular consequence: missense variant.
Genome position (GRCh38, 1-based): chr2:219,492,712, G>A. VCF-style: chr2-219492712-G-A. GRCh37 (hg19) VCF-style: chr2-220357434-G-A.
Other names: short protein forms E3244K.
Identifiers: ClinVar variation 1947702 (VCV001947702.3), dbSNP rs762523816, ClinGen allele CA2127855.